The following is an entry in ClinVar:

ClinVar aggregate classification (germline): Likely pathogenic (0 of 4 stars; one submission).

Conditions:
FYCO1-related disorder. Also called: FYCO1-related condition.

Submission:

PreventionGenetics, part of Exact Sciences
Classification: Likely pathogenic for FYCO1-related condition. Last evaluated: 2024-08-08. Review status: no assertion criteria provided. Collection method: clinical testing. Allele origin: germline.
Comment: The FYCO1 c.2147dupT variant is predicted to result in a frameshift and premature protein termination (p.Glu717Glyfs*15). To our knowledge, this variant has not been reported in the literature or in a large population database, indicating this variant is rare. Frameshift variants in FYCO1 are expected to be pathogenic. This variant is interpreted as likely pathogenic.

NM_024513.4(FYCO1):c.2147dup (p.Glu717fs)

Gene: FYCO1 (FYVE and coiled-coil domain autophagy adaptor 1; minus strand). Cytogenetic location: 3p21.31.
Variant type: Duplication.
Coding change: c.2147dup on transcript NM_024513.4 (MANE Select); coding-DNA position 2147, one base duplicated (T; older notation c.2147dupT).
Protein change: p.Glu717fs; shifts the reading frame from glutamic acid 717.
Molecular consequence: frameshift variant. On other transcripts: non-coding transcript variant (1).
Genome position (GRCh38, 1-based): chr3:45,967,187, A duplicated on the plus strand (T on the coding strand, the reverse complement: FYCO1 is on the minus strand). VCF-style (leftmost placement, unchanged base first): chr3-45967186-C-CA. GRCh37 (hg19) VCF-style: chr3-46008678-C-CA.
Other names: c.2147dup, p.Glu717fs (NM_001386421.1, NM_001386422.1, NM_001386423.1 and 4 more transcripts); c.2027dup, p.Glu677fs (NM_001386426.1); c.2003dup, p.Glu669fs (NM_001386427.1); c.1547dup, p.Glu517fs (NM_001386430.1); short protein forms E517fs, E669fs, E677fs, E717fs.
Identifiers: ClinVar variation 3347601 (VCV003347601.1).